The following is an entry in ClinVar:

ClinVar aggregate classification (germline): Likely benign. Review status: criteria provided, multiple submitters, no conflicts (2 of 4 stars). 5 submissions from 5 submitters: Likely benign (5). Last evaluated 2025-02-22.

Conditions:
Cardiomyopathy (CMYO). Also called: Cardiomyopathies. Identifiers: Orphanet 167848, MedGen C0878544, MONDO:0004994, HP:0001638. Inheritance: Various modes of inheritance.
Hypertrophic cardiomyopathy. Also called: HYPERTROPHIC MYOCARDIOPATHY. Identifiers: Orphanet 217569, MedGen C0007194, MeSH D002312, MONDO:0005045, HP:0001639.
Cardiovascular phenotype. Identifiers: MedGen CN230736.

Allele frequency attached by ClinVar (database versions not stated): gnomAD exomes below 0.00001; TOPMed 0.00003; gnomAD 0.00005.
gnomAD v4.1: 8 of 1,606,754 alleles (0.0005%); highest among the groups gnomAD compares: African/African-American, 0.011%; no homozygotes.

Submissions (5):

Labcorp Genetics (formerly Invitae), Labcorp
Classification: Likely benign for Hypertrophic cardiomyopathy. Last evaluated: 2025-02-22. Review status: criteria provided, single submitter. Criteria: Invitae Variant Classification Sherloc (09022015). Collection method: clinical testing. Allele origin: germline.

All of Us Research Program, National Institutes of Health
Classification: Likely benign for Hypertrophic cardiomyopathy. Last evaluated: 2023-12-01. Review status: criteria provided, single submitter. Criteria: ACMG Guidelines, 2015. Collection method: clinical testing. Allele origin: germline. Inheritance: Autosomal dominant inheritance. Observed: 2 variant alleles, 2 heterozygotes.
Comment: This study involves interpretation of variants in research participants for the purpose of population health screening. Participant phenotype was not available at the time of variant classification. Additional details can be found in publication PMID: 35346344, PMCID: PMC8962531

Ambry Genetics
Classification: Likely benign for Cardiovascular phenotype. Last evaluated: 2022-03-08. Review status: criteria provided, single submitter. Criteria: Ambry Variant Classification Scheme 2023. Collection method: clinical testing. Allele origin: germline.

Color Diagnostics, LLC DBA Color Health
Classification: Likely benign for Cardiomyopathy. Last evaluated: 2019-11-24. Review status: criteria provided, single submitter. Criteria: ACMG Guidelines, 2015. Collection method: clinical testing. Allele origin: germline.

GeneDx
Classification: Likely benign. Last evaluated: 2019-09-09. Review status: criteria provided, single submitter. Criteria: GeneDx Variant Classification Process June 2021. Collection method: clinical testing. Allele origin: germline. Affected: yes.

Literature cited by the submitters: PubMed 18929575 (cited by Ambry Genetics).

NM_000256.3(MYBPC3):c.3024C>A (p.Thr1008=)

Gene: MYBPC3 (myosin binding protein C3; minus strand). Cytogenetic location: 11p11.2.
Variant type: single nucleotide variant.
Coding change: c.3024C>A on transcript NM_000256.3 (MANE Select); coding-DNA position 3024, C replaced by A.
Protein change: p.Thr1008=; no amino-acid change (threonine 1008 retained).
Molecular consequence: synonymous variant.
Genome position (GRCh38, 1-based): chr11:47,333,723, G>T on the plus strand (C>A on the coding strand, the complement: MYBPC3 is on the minus strand). VCF-style: chr11-47333723-G-T. GRCh37 (hg19) VCF-style: chr11-47355274-G-T.
Identifiers: ClinVar variation 756833 (VCV000756833.18), dbSNP rs1019544911, ClinGen allele CA221682899.
Genomic context (GRCh38, chr11:47,333,723, plus strand): 5'-GGTGTCTGTGGGGCTGTTGCGGATGCTCACCTCCTCGCCTGCCAGGGGCTGCCCCTCTTT[G>T]GTCCAGGTCACCTGAGGCCGGGGCTTGCCCTGAGGGGAGGAAAAGCTTAACCCTGAACCT-3'
Protein context (NP_000247.2, residues 998-1018): QGKPRPQVTW[Thr1008=]KEGQPLAGEE